The following is an entry in ClinVar:

NM_003628.6(PKP4):c.2152G>A (p.Val718Ile)

Genes: PKP4 (plakophilin 4; plus strand), PKP4-AS1 (PKP4 antisense RNA 1; minus strand). Cytogenetic location: 2q24.1.
Variant type: single nucleotide variant.
Coding change: c.2152G>A on transcript NM_003628.6 (MANE Select); coding-DNA position 2152, G replaced by A.
Protein change: p.Val718Ile; replaces valine 718 with isoleucine.
Molecular consequence: missense variant. On other transcripts: non-coding transcript variant (1).
Genome position (GRCh38, 1-based): chr2:158,661,391, G>A. VCF-style: chr2-158661391-G-A. GRCh37 (hg19) VCF-style: chr2-159517903-G-A.
Other names: c.2152G>A, p.Val718Ile (NM_001005476.4, NM_001304971.2, NM_001377218.1 and 1 more transcripts); c.2149G>A, p.Val717Ile (NM_001304969.3, NM_001377219.1, NM_001377220.1 and 2 more transcripts); c.1123G>A, p.Val375Ile (NM_001304970.3); c.2146G>A, p.Val716Ile (NM_001377222.1, NM_001377223.1); c.2143G>A, p.Val715Ile (NM_001377224.1); short protein forms V715I, V718I, V375I, V716I, V717I.
Identifiers: ClinVar variation 1786777 (VCV001786777.2), dbSNP rs559445216, ClinGen allele CA1920901.

ClinVar aggregate classification (germline): Uncertain significance (1 of 4 stars; one submission).

Allele frequency attached by ClinVar (database versions not stated): ExAC 0.00001; gnomAD exomes 0.00001; gnomAD 0.00002; TOPMed 0.00002; 1000 Genomes Project 30x 0.00016; 1000 Genomes Project 0.00020.
gnomAD v4.1: 6 of 1,613,932 alleles (0.00037%); highest among the groups gnomAD compares: East Asian, 0.0089%; no homozygotes.

Submission:

Ambry Genetics
Classification: Uncertain significance. Last evaluated: 2022-03-06. Review status: criteria provided, single submitter. Criteria: Ambry Variant Classification Scheme 2023. Collection method: clinical testing. Allele origin: germline.
Comment: The p.V718I variant (also known as c.2152G>A), located in coding exon 12 of the PKP4 gene, results from a G to A substitution at nucleotide position 2152. The valine at codon 718 is replaced by isoleucine, an amino acid with highly similar properties. This amino acid position is conserved. In addition, this alteration is predicted to be tolerated by in silico analysis. Since supporting evidence is limited at this time, the clinical significance of this alteration remains unclear.